The following is an entry in ClinVar:

ClinVar aggregate classification (germline): Pathogenic (1 of 4 stars; one submission).

Conditions:
Dyskeratosis congenita, autosomal recessive 5 (DKCB5). Identifiers: MedGen C3554656, MONDO:0014076, OMIM 615190.
Pulmonary fibrosis and/or bone marrow failure, Telomere-related, 3. Also called: PULMONARY FIBROSIS AND/OR BONE MARROW FAILURE SYNDROME, TELOMERE-RELATED, 3. Identifiers: Orphanet 2032, MedGen C4225346, MONDO:0014613, OMIM 616373.

Submission:

Labcorp Genetics (formerly Invitae), Labcorp
Classification: Pathogenic for Dyskeratosis congenita, autosomal recessive 5; Pulmonary fibrosis and/or bone marrow failure, Telomere-related, 3. Last evaluated: 2021-04-02. Review status: criteria provided, single submitter. Criteria: Invitae Variant Classification Sherloc (09022015). Collection method: clinical testing. Allele origin: germline.
Comment: For these reasons, this variant has been classified as Pathogenic. Algorithms developed to predict the effect of sequence changes on RNA splicing suggest that this variant may create or strengthen a splice site, but this prediction has not been confirmed by published transcriptional studies. This variant has not been reported in the literature in individuals with RTEL1-related conditions. This variant is not present in population databases (ExAC no frequency). This sequence change creates a premature translational stop signal (p.Gln16Profs*133) in the RTEL1 gene. It is expected to result in an absent or disrupted protein product. Loss-of-function variants in RTEL1 are known to be pathogenic (PMID: 23453664, 23959892, 25607374).

Literature cited by the submitters: PubMed 23453664; PubMed 23959892; PubMed 25607374.

NM_001283009.2(RTEL1):c.4_46dup (p.Gln16fs)

Genes: RTEL1 (regulator of telomere elongation helicase 1; plus strand), RTEL1-TNFRSF6B (RTEL1-TNFRSF6B readthrough (NMD candidate); plus strand). Cytogenetic location: 20q13.33.
Variant type: Duplication.
Coding change: c.4_46dup on transcript NM_001283009.2 (MANE Select); coding-DNA positions 4 to 46, 43 bases duplicated.
Protein change: p.Gln16fs; shifts the reading frame from glutamine 16.
Molecular consequence: frameshift variant. On other transcripts: intron variant (1), non-coding transcript variant (1).
Genome position (GRCh38, 1-based): chr20:63,659,406-63,659,448, 43 bases duplicated. GRCh37 (hg19): chr20:62,290,759-62,290,801.
Other names: c.4_46dup, p.Gln16fs (NM_032957.5, NM_016434.4); c.-568+947_-568+989dup (NM_001283010.1); short protein forms Q16fs.
Identifiers: ClinVar variation 1456365 (VCV001456365.6), dbSNP rs2146141304, ClinGen allele CA2573157188.
Genomic context (GRCh38, chr20:63,659,405, plus strand): 5'-CAGACCCGAATAGCCTGCCCCTCAGCCACGCTCTGTGCCCTTCTGAGAACAGGCTGATAT[G>GCCCAAGATAGTCCTGAATGGTGTGACCGTAGACTTCCCTTTCC]CCCAAGATAGTCCTGAATGGTGTGACCGTAGACTTCCCTTTCCAGCCCTACAAATGCCAA-3'